The following is an entry in ClinVar:

NM_130839.5(UBE3A):c.943C>T (p.Leu315Phe)

Genes: SNHG14 (small nucleolar RNA host gene 14; plus strand), UBE3A (ubiquitin protein ligase E3A; minus strand). Cytogenetic location: 15q11.2.
Variant type: single nucleotide variant.
Coding change: c.943C>T on transcript NM_130839.5 (MANE Select); coding-DNA position 943, C replaced by T.
Protein change: p.Leu315Phe; replaces leucine 315 with phenylalanine.
Molecular consequence: missense variant. On other transcripts: non-coding transcript variant (1), intron variant (2).
Genome position (GRCh38, 1-based): chr15:25,371,231, G>A on the plus strand (C>T on the coding strand, the complement: UBE3A is on the minus strand). VCF-style: chr15-25371231-G-A. GRCh37 (hg19) VCF-style: chr15-25616378-G-A.
Other names: c.883C>T, p.Leu295Phe (NM_001354541.2, NM_001354542.2, NM_001354543.2 and 17 more transcripts); c.943C>T, p.Leu315Phe (NM_001354545.2, NM_001354505.1, NM_001354538.2); c.766C>T, p.Leu256Phe (NM_001354546.2); c.952C>T, p.Leu318Phe (NM_000462.5); c.301+4234C>T (NM_001354551.2); c.361+4234C>T (NM_001354550.2); short protein forms L256F, L295F, L315F, L318F.
Identifiers: ClinVar variation 1309895 (VCV001309895.2), dbSNP rs2152822041, ClinGen allele CA391354717.

ClinVar aggregate classification (germline): Uncertain significance (1 of 4 stars; one submission).

Submission:

GeneDx
Classification: Uncertain significance. Last evaluated: 2019-11-04. Review status: criteria provided, single submitter. Criteria: GeneDx Variant Classification Process June 2021. Collection method: clinical testing. Allele origin: germline. Affected: yes.
Comment: Not observed in large population cohorts (Lek et al., 2016); The majority of missense variants in this gene are considered pathogenic (Stenson et al., 2014); In silico analysis, which includes protein predictors and evolutionary conservation, supports that this variant does not alter protein structure/function; Has not been previously published as pathogenic or benign to our knowledge